The following is an entry in ClinVar:

NM_001042492.3(NF1):c.1745G>T (p.Cys582Phe)

Gene: NF1 (neurofibromin 1; plus strand). Cytogenetic location: 17q11.2.
Variant type: single nucleotide variant.
Coding change: c.1745G>T on transcript NM_001042492.3 (MANE Select); coding-DNA position 1745, G replaced by T.
Protein change: p.Cys582Phe; replaces cysteine 582 with phenylalanine.
Molecular consequence: missense variant.
Genome position (GRCh38, 1-based): chr17:31,223,467, G>T. VCF-style: chr17-31223467-G-T. GRCh37 (hg19) VCF-style: chr17-29550485-G-T.
Other names: c.1745G>T, p.Cys582Phe (NM_000267.4); short protein forms C582F.
Identifiers: ClinVar variation 1521469 (VCV001521469.8), dbSNP rs2066962321, ClinGen allele CA399004084.

ClinVar aggregate classification (germline): Likely pathogenic (1 of 4 stars; one submission).

Conditions:
Neurofibromatosis, type 1 (NF1). Also called: VON RECKLINGHAUSEN DISEASE; Neurofibromatosis, type I; Peripheral type neurofibromatosis; NEUROFIBROMATOSIS, TYPE I, SOMATIC. Identifiers: Orphanet 636, MedGen C0027831, MONDO:0018975, OMIM 162200. Disease mechanism: loss of function.

Submission:

Labcorp Genetics (formerly Invitae), Labcorp
Classification: Likely pathogenic for Neurofibromatosis, type 1. Last evaluated: 2021-04-04. Review status: criteria provided, single submitter. Criteria: Invitae Variant Classification Sherloc (09022015). Collection method: clinical testing. Allele origin: germline.
Comment: This sequence change replaces cysteine with phenylalanine at codon 582 of the NF1 protein (p.Cys582Phe). The cysteine residue is moderately conserved and there is a large physicochemical difference between cysteine and phenylalanine. In summary, the currently available evidence indicates that the variant is pathogenic, but additional data are needed to prove that conclusively. Therefore, this variant has been classified as Likely Pathogenic. This variant disrupts the p.Cys582 amino acid residue in NF1. Other variant(s) that disrupt this residue have been determined to be pathogenic (Invitae). This suggests that this residue is clinically significant, and that variants that disrupt this residue are likely to be disease-causing. Advanced modeling of protein sequence and biophysical properties (such as structural, functional, and spatial information, amino acid conservation, physicochemical variation, residue mobility, and thermodynamic stability) performed at Invitae indicates that this missense variant is expected to disrupt NF1 protein function. This variant has not been reported in the literature in individuals with NF1-related conditions. This variant is not present in population databases (ExAC no frequency).